The following is an entry in ClinVar:

ClinVar aggregate classification (germline): Uncertain significance. Review status: criteria provided, multiple submitters, no conflicts (2 of 4 stars). 3 submissions from 3 submitters: Uncertain significance (3). Last evaluated 2025-09-25.

Conditions:
Short-rib thoracic dysplasia 14 with polydactyly (SRTD14). Identifiers: Orphanet 397715, MedGen C4225286, MONDO:0014688, OMIM 616546.
Joubert syndrome 23 (JBTS23). Identifiers: Orphanet 475, MedGen C4084822, MONDO:0014664, OMIM 616490.
Inborn genetic diseases. Identifiers: MedGen C0950123, MeSH D030342.

Allele frequency attached by ClinVar (database versions not stated): TOPMed 0.00001; gnomAD exomes 0.00003; ESP Exome Variant Server 0.00009.
gnomAD v4.1: 42 of 1,607,866 alleles (0.0026%); highest among the groups gnomAD compares: Non-Finnish European, 0.0035%; no homozygotes.

Submissions (3):

Ambry Genetics
Classification: Uncertain significance for Inborn genetic diseases. Last evaluated: 2025-09-25. Review status: criteria provided, single submitter. Criteria: Ambry Variant Classification Scheme 2023. Collection method: clinical testing. Allele origin: germline.

Blueprint Genetics
Classification: Uncertain significance. Last evaluated: 2024-03-02. Review status: criteria provided, single submitter. Criteria: ACMG Guidelines, 2015. Collection method: clinical testing. Allele origin: germline.

Labcorp Genetics (formerly Invitae), Labcorp
Classification: Uncertain significance for Joubert syndrome 23; Short-rib thoracic dysplasia 14 with polydactyly. Last evaluated: 2022-08-16. Review status: criteria provided, single submitter. Criteria: Invitae Variant Classification Sherloc (09022015). Collection method: clinical testing. Allele origin: germline.
Comment: This sequence change replaces serine, which is neutral and polar, with phenylalanine, which is neutral and non-polar, at codon 535 of the KIAA0586 protein (p.Ser535Phe). This variant is not present in population databases (gnomAD no frequency). This variant has not been reported in the literature in individuals affected with KIAA0586-related conditions. ClinVar contains an entry for this variant (Variation ID: 1038096). Algorithms developed to predict the effect of missense changes on protein structure and function are either unavailable or do not agree on the potential impact of this missense change (SIFT: "Deleterious"; PolyPhen-2: "Probably Damaging"; Align-GVGD: "Class C0"). In summary, the available evidence is currently insufficient to determine the role of this variant in disease. Therefore, it has been classified as a Variant of Uncertain Significance.

NM_001329943.3(KIAA0586):c.1445C>T (p.Ser482Phe)

Gene: KIAA0586 (KIAA0586; plus strand). Cytogenetic location: 14q23.1.
Variant type: single nucleotide variant.
Coding change: c.1445C>T on transcript NM_001329943.3 (MANE Select); coding-DNA position 1445, C replaced by T.
Protein change: p.Ser482Phe; replaces serine 482 with phenylalanine.
Molecular consequence: missense variant.
Genome position (GRCh38, 1-based): chr14:58,457,841, C>T. VCF-style: chr14-58457841-C-T. GRCh37 (hg19) VCF-style: chr14-58924559-C-T.
Other names: c.1604C>T, p.Ser535Phe (NM_001244189.2); c.1400C>T, p.Ser467Phe (NM_001244190.2); c.1190C>T, p.Ser397Phe (NM_001244191.2, NM_001329945.2, NM_001364700.1 and 1 more transcripts); c.1313C>T, p.Ser438Phe (NM_001244192.2); c.1025C>T, p.Ser342Phe (NM_001244193.2); c.1445C>T, p.Ser482Phe (NM_001329944.2, NM_001329946.2, NM_001329947.2 and 1 more transcripts); c.1445C>T (NM_014749.3); short protein forms S438F, S467F, S342F, S482F, S397F, S535F.
Identifiers: ClinVar variation 1038096 (VCV001038096.6), dbSNP rs369211190, ClinGen allele CA261624476.